The following is an entry in ClinVar:

NM_003052.5(SLC34A1):c.868G>A (p.Ala290Thr)

Gene: SLC34A1 (solute carrier family 34 member 1; plus strand). Cytogenetic location: 5q35.3.
Variant type: single nucleotide variant.
Coding change: c.868G>A on transcript NM_003052.5 (MANE Select); coding-DNA position 868, G replaced by A.
Protein change: p.Ala290Thr; replaces alanine 290 with threonine.
Molecular consequence: missense variant.
Genome position (GRCh38, 1-based): chr5:177,388,304, G>A. VCF-style: chr5-177388304-G-A. GRCh37 (hg19) VCF-style: chr5-176815305-G-A.
Other names: c.868G>A, p.Ala290Thr (NM_001167579.2); short protein forms A290T.
Identifiers: ClinVar variation 2840308 (VCV002840308.3), dbSNP rs770041564, ClinGen allele CA362365803.

ClinVar aggregate classification (germline): Uncertain significance (1 of 4 stars; one submission).

Submission:

Labcorp Genetics (formerly Invitae), Labcorp
Classification: Uncertain significance. Last evaluated: 2023-11-19. Review status: criteria provided, single submitter. Criteria: Invitae Variant Classification Sherloc (09022015). Collection method: clinical testing. Allele origin: germline.
Comment: This sequence change replaces alanine, which is neutral and non-polar, with threonine, which is neutral and polar, at codon 290 of the SLC34A1 protein (p.Ala290Thr). This variant is not present in population databases (gnomAD no frequency). This variant has not been reported in the literature in individuals affected with SLC34A1-related conditions. Advanced modeling of protein sequence and biophysical properties (such as structural, functional, and spatial information, amino acid conservation, physicochemical variation, residue mobility, and thermodynamic stability) performed at Invitae indicates that this missense variant is not expected to disrupt SLC34A1 protein function with a negative predictive value of 80%. In summary, the available evidence is currently insufficient to determine the role of this variant in disease. Therefore, it has been classified as a Variant of Uncertain Significance.